The following is an entry in ClinVar:

ClinVar aggregate classification (germline): Uncertain significance (1 of 4 stars; one submission).

Allele frequency attached by ClinVar (database versions not stated): gnomAD 0.00001.
gnomAD v4.1: 3 of 1,613,340 alleles (0.00019%); highest among the groups gnomAD compares: Non-Finnish European, 0.00025%; no homozygotes.

Submission:

Labcorp Genetics (formerly Invitae), Labcorp
Classification: Uncertain significance. Last evaluated: 2019-10-26. Review status: criteria provided, single submitter. Criteria: Invitae Variant Classification Sherloc (09022015). Collection method: clinical testing. Allele origin: germline.
Comment: This variant has not been reported in the literature in individuals with PDE6B-related conditions. In summary, the available evidence is currently insufficient to determine the role of this variant in disease. Therefore, it has been classified as a Variant of Uncertain Significance. Algorithms developed to predict the effect of missense changes on protein structure and function are either unavailable or do not agree on the potential impact of this missense change (SIFT: "Deleterious"; PolyPhen-2: "Probably Damaging"; Align-GVGD: "Class C0"). This variant is not present in population databases (ExAC no frequency). This sequence change replaces aspartic acid with glutamic acid at codon 718 of the PDE6B protein (p.Asp718Glu). The aspartic acid residue is highly conserved and there is a small physicochemical difference between aspartic acid and glutamic acid.

NM_000283.4(PDE6B):c.2154C>A (p.Asp718Glu)

Gene: PDE6B (phosphodiesterase 6B; plus strand). Cytogenetic location: 4p16.3.
Variant type: single nucleotide variant.
Coding change: c.2154C>A on transcript NM_000283.4 (MANE Select); coding-DNA position 2154, C replaced by A.
Protein change: p.Asp718Glu; replaces aspartic acid 718 with glutamic acid.
Molecular consequence: missense variant.
Genome position (GRCh38, 1-based): chr4:664,905, C>A. VCF-style: chr4-664905-C-A. GRCh37 (hg19) VCF-style: chr4-658694-C-A.
Other names: c.2154C>A, p.Asp718Glu (NM_001145291.2); c.1317C>A, p.Asp439Glu (NM_001145292.2, NM_001350154.3, NM_001379246.1 and 1 more transcripts); c.999C>A, p.Asp333Glu (NM_001350155.3); short protein forms D439E, D333E, D718E.
Identifiers: ClinVar variation 966627 (VCV000966627.9), dbSNP rs748726198, ClinGen allele CA355919661.
Genomic context (GRCh38, chr4:664,905, plus strand): 5'-CGCCCATCAGCACTCGTGCCCGGTTTGTGTCTGCAGGGCCATGATGATGACAGCCTGCGA[C>A]CTGTCTGCCATCACCAAGCCCTGGGAAGTCCAGAGCAAGGTTAGAACAGAGGGCCCTCCA-3'
Protein context (NP_000274.3, residues 708-728): IVMAMMMTAC[Asp718Glu]LSAITKPWEV